The following is an entry in ClinVar:

NM_001267550.2(TTN):c.107707C>T (p.Pro35903Ser)

Genes: TTN (titin; minus strand), TTN-AS1 (TTN antisense RNA 1; plus strand). Cytogenetic location: 2q31.2.
Variant type: single nucleotide variant.
Coding change: c.107707C>T on transcript NM_001267550.2 (MANE Select); coding-DNA position 107707, C replaced by T.
Protein change: p.Pro35903Ser; replaces proline 35903 with serine.
Molecular consequence: missense variant.
Genome position (GRCh38, 1-based): chr2:178,527,281, G>A on the plus strand (C>T on the coding strand, the complement: TTN is on the minus strand). VCF-style: chr2-178527281-G-A. GRCh37 (hg19) VCF-style: chr2-179392008-G-A.
Other names: c.102784C>T, p.Pro34262Ser (NM_001256850.1); c.80512C>T, p.Pro26838Ser (NM_003319.4); c.100003C>T, p.Pro33335Ser (NM_133378.4); c.80887C>T, p.Pro26963Ser (NM_133432.3); c.81088C>T, p.Pro27030Ser (NM_133437.4); short protein forms P33335S, P34262S, P27030S, P26838S, P26963S, P35903S.
Identifiers: ClinVar variation 1966749 (VCV001966749.5), dbSNP rs1328551203, ClinGen allele CA349399575.

ClinVar aggregate classification (germline): Uncertain significance (1 of 4 stars; one submission).

Conditions:
Dilated cardiomyopathy 1G (CMD1G). Identifiers: Orphanet 154, MedGen C1858763, MONDO:0011400, OMIM 604145.
Autosomal recessive limb-girdle muscular dystrophy type 2J (LGMDR10). Also called: Limb-girdle muscular dystrophy, type 2J; MUSCULAR DYSTROPHY, LIMB-GIRDLE, AUTOSOMAL RECESSIVE 10. Identifiers: Orphanet 140922, MedGen C1837342, MONDO:0012127, OMIM 608807.

Allele frequency attached by ClinVar (database versions not stated): gnomAD exomes below 0.00001.
gnomAD v4.1: 1 of 1,599,630 alleles (0.000063%); highest among the groups gnomAD compares: East Asian, 0.0022%; no homozygotes.

Submission:

Labcorp Genetics (formerly Invitae), Labcorp
Classification: Uncertain significance for Dilated cardiomyopathy 1G; Autosomal recessive limb-girdle muscular dystrophy type 2J. Last evaluated: 2025-09-22. Review status: criteria provided, single submitter. Criteria: Invitae Variant Classification Sherloc (09022015). Collection method: clinical testing. Allele origin: germline.
Comment: This sequence change replaces proline, which is neutral and non-polar, with serine, which is neutral and polar, at codon 35903 of the TTN protein (p.Pro35903Ser). The frequency data for this variant in the population databases is considered unreliable, as metrics indicate poor data quality at this position in the gnomAD database. This variant has not been reported in the literature in individuals affected with TTN-related conditions. ClinVar contains an entry for this variant (Variation ID: 1966749). Experimental studies and prediction algorithms are not available or were not evaluated, and the functional significance of this variant is currently unknown. This variant is located in the M band of TTN (PMID: 25589632). Non-truncating variants in this region may be relevant for neuromuscular disorders, but have not been definitively shown to cause cardiomyopathy (PMID: 23975875). In summary, the available evidence is currently insufficient to determine the role of this variant in disease. Therefore, it has been classified as a Variant of Uncertain Significance.

Literature cited by the submitters: PubMed 25589632; PubMed 23975875.